The following is an entry in ClinVar:

NM_003737.4(DCHS1):c.3916C>T (p.Gln1306Ter)

Gene: DCHS1 (dachsous cadherin-related 1; minus strand). Cytogenetic location: 11p15.4.
Variant type: single nucleotide variant.
Coding change: c.3916C>T on transcript NM_003737.4 (MANE Select); coding-DNA position 3916, C replaced by T.
Protein change: p.Gln1306Ter; replaces glutamine 1306 with a stop codon.
Molecular consequence: nonsense.
Genome position (GRCh38, 1-based): chr11:6,631,067, G>A on the plus strand (C>T on the coding strand, the complement: DCHS1 is on the minus strand). VCF-style: chr11-6631067-G-A. GRCh37 (hg19) VCF-style: chr11-6652298-G-A.
Other names: short protein forms Q1306*.
Identifiers: ClinVar variation 3663240 (VCV003663240.2).

ClinVar aggregate classification (germline): Pathogenic (1 of 4 stars; one submission).

Submission:

Labcorp Genetics (formerly Invitae), Labcorp
Classification: Pathogenic. Last evaluated: 2024-08-22. Review status: criteria provided, single submitter. Criteria: Invitae Variant Classification Sherloc (09022015). Collection method: clinical testing. Allele origin: germline.
Comment: This sequence change creates a premature translational stop signal (p.Gln1306*) in the DCHS1 gene. It is expected to result in an absent or disrupted protein product. Loss-of-function variants in DCHS1 are known to be pathogenic (PMID: 24056717, 26258302). This variant is not present in population databases (gnomAD no frequency). This variant has not been reported in the literature in individuals affected with DCHS1-related conditions. For these reasons, this variant has been classified as Pathogenic.

Literature cited by the submitters: PubMed 24056717; PubMed 26258302.